The following is an entry in ClinVar:

NM_001308093.3(GATA4):c.962G>A (p.Arg321Gln)

Gene: GATA4 (GATA binding protein 4). Cytogenetic location: 8p23.1.
Variant type: single nucleotide variant.
Coding change: c.962G>A on transcript NM_001308093.3 (MANE Select); coding-DNA position 962, G replaced by A.
Protein change: p.Arg321Gln; replaces arginine 321 with glutamine.
Molecular consequence: missense variant.
Genome position (GRCh38, 1-based): chr8:11,755,095, G>A. VCF-style: chr8-11755095-G-A. GRCh37 (hg19) VCF-style: chr8-11612604-G-A.
Other names: c.341G>A, p.Arg114Gln (NM_001308094.2, NM_001374273.1); c.215G>A, p.Arg72Gln (NM_001374274.1); c.959G>A, p.Arg320Gln (NM_002052.5); short protein forms R72Q, R321Q, R114Q, R320Q.
Identifiers: ClinVar variation 1431327 (VCV001431327.9), dbSNP rs2130338262, ClinGen allele CA370314477.

ClinVar aggregate classification (germline): Conflicting classifications of pathogenicity. Review status: criteria provided, conflicting classifications (1 of 4 stars). 2 submissions from 2 submitters: Likely pathogenic (1); Uncertain significance (1). Last evaluated 2024-07-30.

Conditions:
Testicular anomalies with or without congenital heart disease (TACHD). Identifiers: Orphanet 251510, MedGen C3809858, MONDO:0014239, OMIM 615542.
Atrioventricular septal defect 4 (AVSD4). Identifiers: MedGen C3280781, MONDO:0013747, OMIM 614430.

Submissions (2):

3billion
Classification: Likely pathogenic for Testicular anomalies with or without congenital heart disease. Last evaluated: 2024-07-30. Review status: criteria provided, single submitter. Criteria: ACMG Guidelines, 2015. Collection method: clinical testing. Allele origin: germline. Affected: yes.
Comment: The variant is not observed in the gnomAD v4.0.0 dataset. In silico tool predictions suggest damaging effect of the variant on gene or gene product [REVEL: 0.85 (>=0.6); 3Cnet: 0.99 (>=0.6)]. The same nucleotide change resulting in the same amino acid change has been previously reported to be associated with GATA4-related disorder (ClinVar ID: VCV001431327 / PMID: 30293987 / 3billion dataset). The variant has been observed in at least two similarly affected unrelated individuals (PMID: 30293987, 32901917 / 3billion dataset). A different missense change at the same codon (p.Arg321Trp) has been reported to be associated with GATA4-related disorder (ClinVar ID: VCV000545667 / PMID: 20854389). Therefore, this variant is classified as likely pathogenic according to the recommendation of ACMG/AMP guideline.

Labcorp Genetics (formerly Invitae), Labcorp
Classification: Uncertain significance for Atrioventricular septal defect 4. Last evaluated: 2022-06-27. Review status: criteria provided, single submitter. Criteria: Invitae Variant Classification Sherloc (09022015). Collection method: clinical testing. Allele origin: germline.
Comment: In summary, the available evidence is currently insufficient to determine the role of this variant in disease. Therefore, it has been classified as a Variant of Uncertain Significance. Algorithms developed to predict the effect of missense changes on protein structure and function are either unavailable or do not agree on the potential impact of this missense change (SIFT: "Tolerated"; PolyPhen-2: "Probably Damaging"; Align-GVGD: "Class C0"). This variant is also known as c.962G>A (p.Arg321Gln). This missense change has been observed in individual(s) with clinical features of GATA4-related conditions (PMID: 30293987, 32901917). This variant is not present in population databases (gnomAD no frequency). This sequence change replaces arginine, which is basic and polar, with glutamine, which is neutral and polar, at codon 320 of the GATA4 protein (p.Arg320Gln).

Literature cited by the submitters: PubMed 30293987 (cited by Labcorp Genetics (formerly Invitae), Labcorp); PubMed 32901917 (cited by Labcorp Genetics (formerly Invitae), Labcorp).